The following is an entry in ClinVar:

ClinVar aggregate classification (germline): Pathogenic. Review status: criteria provided, multiple submitters, no conflicts (2 of 4 stars). 2 submissions from 2 submitters: Pathogenic (2). Last evaluated 2025-11-19.

Conditions:
BAP1-related tumor predisposition syndrome (TPDS1). Also called: Tumor susceptibility linked to germline BAP1 mutations; COMMON Syndrome; TUMOR PREDISPOSITION SYNDROME 1; BAP1 tumor predisposition syndrome. Identifiers: Orphanet 289539, MedGen C3280492, MONDO:0013692, OMIM 614327.
Hereditary cancer-predisposing syndrome. Also called: Neoplastic Syndromes, Hereditary; Tumor predisposition; Hereditary Cancer Syndrome; Hereditary neoplastic syndrome. Identifiers: Orphanet 140162, MedGen C0027672, MeSH D009386, MONDO:0015356.

Submissions (2):

Myriad Genetics, Inc.
Classification: Pathogenic for BAP1-related tumor predisposition syndrome. Last evaluated: 2025-11-19. Review status: criteria provided, single submitter. Criteria: Myriad Autosomal Dominant, Autosomal Recessive and X-Linked Classification Criteria (2023). Collection method: clinical testing. Allele origin: unknown.
Comment: This variant is considered pathogenic. This variant creates a frameshift predicted to result in premature protein truncation.

Color Diagnostics, LLC DBA Color Health
Classification: Pathogenic for Hereditary cancer-predisposing syndrome. Last evaluated: 2022-08-22. Review status: criteria provided, single submitter. Criteria: ACMG Guidelines, 2015. Collection method: clinical testing. Allele origin: germline.
Comment: This variant deletes 1 nucleotide in exon 13 of the BAP1 gene, creating a frameshift and premature translation stop signal. This variant is expected to result in an absent or non-functional protein product. To our knowledge, this variant has not been reported in individuals affected with hereditary cancer in the literature. This variant has not been identified in the general population by the Genome Aggregation Database (gnomAD). Loss of BAP1 function is a known mechanism of disease. Based on the available evidence, this variant is classified as Pathogenic.

NM_004656.4(BAP1):c.1375del (p.Leu459fs)

Gene: BAP1 (BRCA1 associated deubiquitinase 1; minus strand). Cytogenetic location: 3p21.1.
Variant type: Deletion.
Coding change: c.1375del on transcript NM_004656.4 (MANE Select); coding-DNA position 1375, one base deleted (C; older notation c.1375delC).
Protein change: p.Leu459fs; shifts the reading frame from leucine 459.
Molecular consequence: frameshift variant.
Genome position (GRCh38, 1-based): chr3:52,403,770, G deleted on the plus strand (C on the coding strand, the reverse complement: BAP1 is on the minus strand); the first of 2 consecutive G bases (chr3:52,403,770-52,403,771); deleting either gives the same sequence. VCF-style (leftmost placement, unchanged base first): chr3-52403769-AG-A. GRCh37 (hg19) VCF-style: chr3-52437785-AG-A.
Other names: c.1321del, p.Leu441fs (NM_001410772.1); short protein forms L441fs, L459fs.
Identifiers: ClinVar variation 2774749 (VCV002774749.3), dbSNP rs2471329614, ClinGen allele CA2697556707.